The following is an entry in ClinVar:

NM_000051.4(ATM):c.8672-14_8675del

Genes: ATM (ATM serine/threonine kinase; plus strand), C11orf65 (chromosome 11 open reading frame 65; minus strand). Cytogenetic location: 11q22.3.
Variant type: Deletion.
Coding change: c.8672-14_8675del on transcript NM_000051.4 (MANE Select); 14 bases into the intron before coding-DNA position 8672 through coding-DNA position 8675, 18 bases deleted (ATTCTTTACTTTAGGTGT).
Molecular consequence: splice acceptor variant. On other transcripts: intron variant (2).
Genome position (GRCh38, 1-based): chr11:108,353,752-108,353,769, ATTCTTTACTTTAGGTGT deleted; deleting any 18 consecutive bases within chr11:108,353,749-108,353,769 gives the same sequence; the c. name uses the placement nearest the transcript's 3' end. VCF-style (leftmost placement, unchanged base first): chr11-108353748-CTGTATTCTTTACTTTAGG-C. GRCh37 (hg19) VCF-style: chr11-108224475-CTGTATTCTTTACTTTAGG-C.
Other names: c.8672-14_8675del (NM_001351834.2); c.640+32154_640+32171del (NM_001330368.2); c.695-18474_695-18457del (NM_001351110.2).
Identifiers: ClinVar variation 3148235 (VCV003148235.1), dbSNP rs2547513646, ClinGen allele CA2825001986.
Genomic context (GRCh38, chr11:108,353,748, plus strand): 5'-TGTAAAGTTCACATTCTAACTGGAAAGAAAGTAAATTAGCTGTCAAACCTCCTAACTTCA[CTGTATTCTTTACTTTAGG>C]TGTTGCTTTTGAACAGGGCAAAATCCTTCCTACTCCTGAGACAGTTCCTTTTAGACTCAC-3'

ClinVar aggregate classification (germline): Likely pathogenic (1 of 4 stars; one submission).

Conditions:
Familial cancer of breast. Also called: hereditary breast carcinoma; BREAST CANCER, FAMILIAL; Hereditary breast cancer. Identifiers: Orphanet 227535, MedGen C0346153, MONDO:0016419, OMIM 114480. Disease mechanism: loss of function.

Submission:

Myriad Genetics, Inc.
Classification: Likely pathogenic for Familial cancer of breast. Last evaluated: 2024-02-05. Review status: criteria provided, single submitter. Criteria: Myriad Autosomal Dominant, Autosomal Recessive and X-Linked Classification Criteria (2023). Collection method: clinical testing. Allele origin: unknown.
Comment: This variant is considered likely pathogenic. This variant occurs within a consensus splice junction and is predicted to result in abnormal mRNA splicing of either an out-of-frame exon or an in-frame exon necessary for protein stability and/or normal function.